The following is an entry in ClinVar:

NM_176787.5(PIGN):c.329_549+1907del

Gene: PIGN (phosphatidylinositol glycan anchor biosynthesis class N; minus strand). Cytogenetic location: 18q21.33.
Variant type: Deletion.
Coding change: c.329_549+1907del on transcript NM_176787.5 (MANE Select); coding-DNA position 329 through 1907 bases into the intron after coding-DNA position 549, 5,064 bases deleted.
Molecular consequence: splice acceptor variant, splice donor variant.
Genome position (GRCh38, 1-based): chr18:62,152,638-62,157,701, 5,064 bases deleted. GRCh37 (hg19): chr18:59,819,874-59,824,937.
Other names: c.329_549+1907del (NM_012327.6).
Identifiers: ClinVar variation 856025 (VCV000856025.1), ClinGen allele CA916084336.

ClinVar aggregate classification (germline): Pathogenic (1 of 4 stars; one submission).

Conditions:
Multiple congenital anomalies-hypotonia-seizures syndrome 1 (MCAHS1). Also called: PIGN-CDG; Congenital disorder of glycosylation due to PIGN deficiency; GLYCOSYLPHOSPHATIDYLINOSITOL BIOSYNTHESIS DEFECT 3. Identifiers: Orphanet 280633, MedGen C3279775, MONDO:0013563, OMIM 614080.

Submission:

Labcorp Genetics (formerly Invitae), Labcorp
Classification: Pathogenic for Multiple congenital anomalies-hypotonia-seizures syndrome 1. Last evaluated: 2019-12-27. Review status: criteria provided, single submitter. Criteria: Invitae Variant Classification Sherloc (09022015). Collection method: clinical testing. Allele origin: germline.
Comment: This variant is a deletion of the genomic region encompassing exons 6-7 and part of exon 5 (c.329_549+1907del) of the PIGN gene. It is expected to disrupt RNA splicing and likely results in an absent or disrupted protein product. This variant has been observed to be homozygous in individuals affected with Fryns syndrome and has been observed to segregate with disease in a family (PMID: 29330547). Loss-of-function variants in PIGN are known to be pathogenic (PMID: 24253414, 27038415). For these reasons, this variant has been classified as Pathogenic.

Literature cited by the submitters: PubMed 29330547.